The following is an entry in ClinVar:

NM_005585.5(SMAD6):c.1061T>G (p.Val354Gly)

Gene: SMAD6 (SMAD family member 6; plus strand). Cytogenetic location: 15q22.31.
Variant type: single nucleotide variant.
Coding change: c.1061T>G on transcript NM_005585.5 (MANE Select); coding-DNA position 1061, T replaced by G.
Protein change: p.Val354Gly; replaces valine 354 with glycine.
Molecular consequence: missense variant. On other transcripts: non-coding transcript variant (1).
Genome position (GRCh38, 1-based): chr15:66,781,105, T>G. VCF-style: chr15-66781105-T-G. GRCh37 (hg19) VCF-style: chr15-67073443-T-G.
Other names: short protein forms V354G.
Identifiers: ClinVar variation 4701043 (VCV004701043.1).

ClinVar aggregate classification (germline): Uncertain significance (1 of 4 stars; one submission).

Conditions:
Aortic valve disease 2 (AOVD2). Identifiers: MedGen C3542024, MONDO:0013902, OMIM 614823.

gnomAD v4.1: 1 of 1,608,762 alleles (0.000062%); highest among the groups gnomAD compares: Non-Finnish European, 0.000085%; no homozygotes.

Submission:

Labcorp Genetics (formerly Invitae), Labcorp
Classification: Uncertain significance for Aortic valve disease 2. Last evaluated: 2025-09-22. Review status: criteria provided, single submitter. Criteria: Invitae Variant Classification Sherloc (09022015). Collection method: clinical testing. Allele origin: germline.
Comment: This sequence change replaces valine, which is neutral and non-polar, with glycine, which is neutral and non-polar, at codon 354 of the SMAD6 protein (p.Val354Gly). This variant is not present in population databases (gnomAD no frequency). This variant has not been reported in the literature in individuals affected with SMAD6-related conditions. Invitae Evidence Modeling of protein sequence and biophysical properties (such as structural, functional, and spatial information, amino acid conservation, physicochemical variation, residue mobility, and thermodynamic stability) indicates that this missense variant is not expected to disrupt SMAD6 protein function with a negative predictive value of 80%. In summary, the available evidence is currently insufficient to determine the role of this variant in disease. Therefore, it has been classified as a Variant of Uncertain Significance.